The following is an entry in ClinVar:

NM_178857.6(RP1L1):c.452C>G (p.Pro151Arg)

Gene: RP1L1 (RP1 like 1). Cytogenetic location: 8p23.1.
Variant type: single nucleotide variant.
Coding change: c.452C>G on transcript NM_178857.6 (MANE Select); coding-DNA position 452, C replaced by G.
Protein change: p.Pro151Arg; replaces proline 151 with arginine.
Molecular consequence: missense variant.
Genome position (GRCh38, 1-based): chr8:10,622,750, G>C on the plus strand (C>G on the coding strand, the complement: RP1L1 is on the minus strand). VCF-style: chr8-10622750-G-C. GRCh37 (hg19) VCF-style: chr8-10480260-G-C.
Other names: short protein forms P151R.
Identifiers: ClinVar variation 1901167 (VCV001901167.4), dbSNP rs571245765, ClinGen allele CA171954679.

ClinVar aggregate classification (germline): Uncertain significance. Review status: criteria provided, multiple submitters, no conflicts (2 of 4 stars). 2 submissions from 2 submitters: Uncertain significance (2). Last evaluated 2025-12-03.

gnomAD v4.1: 33 of 1,614,098 alleles (0.002%); highest among the groups gnomAD compares: African/African-American, 0.02%; no homozygotes.

Submissions (2):

Labcorp Genetics (formerly Invitae), Labcorp
Classification: Uncertain significance. Last evaluated: 2025-12-03. Review status: criteria provided, single submitter. Criteria: Invitae Variant Classification Sherloc (09022015). Collection method: clinical testing. Allele origin: germline.
Comment: This sequence change replaces proline, which is neutral and non-polar, with arginine, which is basic and polar, at codon 151 of the RP1L1 protein (p.Pro151Arg). This variant is present in population databases (rs571245765, gnomAD 0.008%). This variant has not been reported in the literature in individuals affected with RP1L1-related conditions. ClinVar contains an entry for this variant (Variation ID: 1901167). Invitae Evidence Modeling of protein sequence and biophysical properties (such as structural, functional, and spatial information, amino acid conservation, physicochemical variation, residue mobility, and thermodynamic stability) indicates that this missense variant is not expected to disrupt RP1L1 protein function with a negative predictive value of 80%. In summary, the available evidence is currently insufficient to determine the role of this variant in disease. Therefore, it has been classified as a Variant of Uncertain Significance.

Blueprint Genetics
Classification: Uncertain significance. Last evaluated: 2024-01-18. Review status: criteria provided, single submitter. Criteria: ACMG Guidelines, 2015. Collection method: clinical testing. Allele origin: germline.